The following is an entry in ClinVar:

ClinVar aggregate classification (germline): Uncertain significance. Review status: criteria provided, multiple submitters, no conflicts (2 of 4 stars). 2 submissions from 2 submitters: Uncertain significance (2). Last evaluated 2026-02-26.

Conditions:
Cardiovascular phenotype. Identifiers: MedGen CN230736.

Allele frequency attached by ClinVar (database versions not stated): gnomAD exomes 0.00001.
gnomAD v4.1: 14 of 1,614,222 alleles (0.00087%); highest among the groups gnomAD compares: East Asian, 0.0022%; no homozygotes.

Submissions (2):

GeneDx
Classification: Uncertain significance. Last evaluated: 2026-02-26. Review status: criteria provided, single submitter. Criteria: GeneDx Variant Classification Process June 2021. Collection method: clinical testing. Allele origin: germline.
Comment: Not observed at significant frequency in large population cohorts (gnomAD); In silico analysis supports that this missense variant has a deleterious effect on protein structure/function; Has not been previously published as pathogenic or benign to our knowledge; Also known as H1412R

Ambry Genetics
Classification: Uncertain significance for Cardiovascular phenotype. Last evaluated: 2023-06-18. Review status: criteria provided, single submitter. Criteria: Ambry Variant Classification Scheme 2023. Collection method: clinical testing. Allele origin: germline.
Comment: The p.H1439R variant (also known as c.4316A>G), located in coding exon 26 of the APOB gene, results from an A to G substitution at nucleotide position 4316. The histidine at codon 1439 is replaced by arginine, an amino acid with highly similar properties. This amino acid position is conserved. In addition, this alteration is predicted to be tolerated by in silico analysis. Since supporting evidence is limited at this time, the clinical significance of this alteration remains unclear.

NM_000384.3(APOB):c.4316A>G (p.His1439Arg)

Gene: APOB (apolipoprotein B; minus strand). Cytogenetic location: 2p24.1.
Variant type: single nucleotide variant.
Coding change: c.4316A>G on transcript NM_000384.3 (MANE Select); coding-DNA position 4316, A replaced by G.
Protein change: p.His1439Arg; replaces histidine 1439 with arginine.
Molecular consequence: missense variant.
Genome position (GRCh38, 1-based): chr2:21,012,552, T>C on the plus strand (A>G on the coding strand, the complement: APOB is on the minus strand). VCF-style: chr2-21012552-T-C. GRCh37 (hg19) VCF-style: chr2-21235424-T-C.
Other names: short protein forms H1439R.
Identifiers: ClinVar variation 2594017 (VCV002594017.3), dbSNP rs2465379062, ClinGen allele CA346007150.